The following is an entry in ClinVar:

ClinVar aggregate classification (germline): Uncertain significance (1 of 4 stars; one submission).

Conditions:
Hereditary cancer-predisposing syndrome. Also called: Neoplastic Syndromes, Hereditary; Tumor predisposition; Hereditary neoplastic syndrome; Hereditary Cancer Syndrome. Identifiers: Orphanet 140162, MedGen C0027672, MeSH D009386, MONDO:0015356.

Submission:

Ambry Genetics
Classification: Uncertain significance for Hereditary cancer-predisposing syndrome. Last evaluated: 2026-07-07. Review status: criteria provided, single submitter. Criteria: Ambry Variant Classification Scheme 2023. Collection method: clinical testing. Allele origin: germline.
Comment: The p.M18T variant (also known as c.53T>C), located in coding exon 1 of the PHOX2B gene, results from a T to C substitution at nucleotide position 53. The methionine at codon 18 is replaced by threonine, an amino acid with similar properties. This amino acid position is conserved. In addition, this alteration is predicted to be deleterious by in silico analysis. Based on the available evidence, the clinical significance of this variant remains unclear.

NM_003924.4(PHOX2B):c.53T>C (p.Met18Thr)

Genes: PHOX2B-AS1 (PHOX2B antisense RNA 1; plus strand), PHOX2B (paired like homeobox 2B; minus strand). Cytogenetic location: 4p13.
Variant type: single nucleotide variant.
Coding change: c.53T>C on transcript NM_003924.4 (MANE Select); coding-DNA position 53, T replaced by C.
Protein change: p.Met18Thr; replaces methionine 18 with threonine.
Molecular consequence: missense variant. On other transcripts: non-coding transcript variant (1).
Genome position (GRCh38, 1-based): chr4:41,748,558, A>G on the plus strand (T>C on the coding strand, the complement: PHOX2B is on the minus strand). VCF-style: chr4-41748558-A-G. GRCh37 (hg19) VCF-style: chr4-41750575-A-G.
Other names: short protein forms M18T.
Identifiers: ClinVar variation 5026611 (VCV005026611.1).